The following is an entry in ClinVar:

ClinVar aggregate classification (germline): Likely pathogenic. Review status: criteria provided, single submitter (1 of 4 stars). 2 submissions from 2 submitters: Likely pathogenic (1). 1 of the submissions does not count toward it. Last evaluated 2025-04-10.

Conditions:
Bifunctional peroxisomal enzyme deficiency (DBIF). Also called: DBP DEFICIENCY; PBFE DEFICIENCY; D-bifunctional protein deficiency. Identifiers: Orphanet 300, MedGen C0342870, MONDO:0009855, OMIM 261515. Disease mechanism: loss of function.

Submissions (2):

Natera, Inc.
Classification: Likely pathogenic for Bifunctional peroxisomal enzyme deficiency. Last evaluated: 2025-04-10. Review status: criteria provided, single submitter. Criteria: Natera Variant Classification Schema (03/2026). Collection method: clinical testing. Allele origin: germline.
Comment: The c.607_610del variant in HSD17B4 is a frameshift variant predicted to shift the reading frame beginning at codon 203 and leads to a stop codon 10 codons downstream. This variant is expected to result in nonsense mediated decay, truncation, or a dysfunctional protein product. This variant is rare in the general population with a frequency below the threshold expected for the associated phenotype(s). Given the available evidence, this variant is classified as Likely Pathogenic.

Counsyl
Classification: Likely pathogenic for Bifunctional peroxisomal enzyme deficiency. Last evaluated: 2015-12-15. Review status: no assertion criteria provided. Collection method: clinical testing. Allele origin: unknown. Not counted in ClinVar's aggregate classification.

NM_000414.4(HSD17B4):c.607_610del (p.Thr203fs)

Gene: HSD17B4 (hydroxysteroid 17-beta dehydrogenase 4; plus strand). Cytogenetic location: 5q23.1.
Variant type: Deletion.
Coding change: c.607_610del on transcript NM_000414.4 (MANE Select); coding-DNA positions 607 to 610, 4 bases deleted (ACAG; older notation c.607_610delACAG).
Protein change: p.Thr203fs; shifts the reading frame from threonine 203.
Molecular consequence: frameshift variant.
Genome position (GRCh38, 1-based): chr5:119,479,006-119,479,009, ACAG deleted; deleting any 4 consecutive bases within chr5:119,479,003-119,479,009 gives the same sequence; the c. name uses the placement nearest the transcript's 3' end. VCF-style (leftmost placement, unchanged base first): chr5-119479002-TCAGA-T. GRCh37 (hg19) VCF-style: chr5-118814697-TCAGA-T.
Other names: c.607_610delACAG (NM_000414.3); c.682_685del, p.Thr228fs (NM_001199291.3); c.553_556del, p.Thr185fs (NM_001199292.2); c.535_538del, p.Thr179fs (NM_001292027.2); c.187_190del, p.Thr63fs (NM_001292028.2); c.607_610del (NM_000414.3); short protein forms T203fs, T63fs, T179fs, T185fs, T228fs.
Identifiers: ClinVar variation 370202 (VCV000370202.5), dbSNP rs1057516310, ClinGen allele CA16040962.